The following is an entry in ClinVar:

ClinVar aggregate classification (germline): Likely pathogenic (1 of 4 stars; one submission).

Conditions:
Joubert syndrome. Also called: Familial aplasia of the vermis; JOUBERT-BOLTSHAUSER SYNDROME; CEREBELLOPARENCHYMAL DISORDER IV. Identifiers: Orphanet 475, MedGen C5979921, MONDO:0018772.

Submission:

Natera, Inc.
Classification: Likely pathogenic for Joubert syndrome. Last evaluated: 2025-09-04. Review status: criteria provided, single submitter. Criteria: Natera Variant Classification Schema (03/2026). Collection method: clinical testing. Allele origin: germline.
Comment: The c.1162C>T variant in RPGRIP1L is a nonsense variant predicted to introduce a stop codon at amino acid 388. This variant is expected to result in nonsense mediated decay, truncation, or a dysfunctional protein product. This variant is rare in the general population with a frequency below the threshold expected for the associated phenotype(s). Given the available evidence, this variant is classified as Likely Pathogenic.

NM_015272.5(RPGRIP1L):c.1162C>T (p.Gln388Ter)

Gene: RPGRIP1L (RPGRIP1 like; minus strand). Cytogenetic location: 16q12.2.
Variant type: single nucleotide variant.
Coding change: c.1162C>T on transcript NM_015272.5 (MANE Select); coding-DNA position 1162, C replaced by T.
Protein change: p.Gln388Ter; replaces glutamine 388 with a stop codon.
Molecular consequence: nonsense.
Genome position (GRCh38, 1-based): chr16:53,664,951, G>A on the plus strand (C>T on the coding strand, the complement: RPGRIP1L is on the minus strand). VCF-style: chr16-53664951-G-A. GRCh37 (hg19) VCF-style: chr16-53698863-G-A.
Other names: c.1162C>T, p.Gln388Ter (NM_001127897.4, NM_001308334.3, NM_001330538.2); short protein forms Q388*.
Identifiers: ClinVar variation 4815823 (VCV004815823.1).